The following is an entry in ClinVar:

NM_005422.4(TECTA):c.3945C>T (p.His1315=)

Genes: TBCEL-TECTA (TBCEL-TECTA readthrough; plus strand), TECTA (tectorin alpha; plus strand). Cytogenetic location: 11q23.3.
Variant type: single nucleotide variant.
Coding change: c.3945C>T on transcript NM_005422.4 (MANE Select); coding-DNA position 3945, C replaced by T.
Protein change: p.His1315=; no amino-acid change (histidine 1315 retained).
Molecular consequence: synonymous variant.
Genome position (GRCh38, 1-based): chr11:121,145,956, C>T. VCF-style: chr11-121145956-C-T. GRCh37 (hg19) VCF-style: chr11-121016665-C-T.
Other names: c.4902C>T, p.His1634= (NM_001378761.1).
Identifiers: ClinVar variation 3033099 (VCV003033099.3), dbSNP rs371415947, ClinGen allele CA6327316.

ClinVar aggregate classification (germline): Likely benign. Review status: criteria provided, single submitter (1 of 4 stars). 2 submissions from 2 submitters: Likely benign (1). 1 of the submissions does not count toward it. Last evaluated 2025-05-05.

Conditions:
TECTA-related disorder. Also called: TECTA-related condition.

Allele frequency attached by ClinVar (database versions not stated): gnomAD 0.00002; TOPMed 0.00002; gnomAD exomes 0.00004; ExAC 0.00006; ESP Exome Variant Server 0.00008.
gnomAD v4.1: 56 of 1,614,162 alleles (0.0035%); highest among the groups gnomAD compares: Non-Finnish European, 0.0044%; no homozygotes.

Submissions (2):

Labcorp Genetics (formerly Invitae), Labcorp
Classification: Likely benign. Last evaluated: 2025-05-05. Review status: criteria provided, single submitter. Criteria: Invitae Variant Classification Sherloc (09022015). Collection method: clinical testing. Allele origin: germline.

PreventionGenetics, part of Exact Sciences
Classification: Likely benign for TECTA-related condition. Last evaluated: 2019-07-08. Review status: no assertion criteria provided. Collection method: clinical testing. Allele origin: germline. Not counted in ClinVar's aggregate classification.
Comment: This variant is classified as likely benign based on ACMG/AMP sequence variant interpretation guidelines (Richards et al. 2015 PMID: 25741868, with internal and published modifications).